The following is an entry in ClinVar:

ClinVar aggregate classification (germline): Uncertain significance. Review status: criteria provided, multiple submitters, no conflicts (2 of 4 stars). 2 submissions from 2 submitters: Uncertain significance (2). Last evaluated 2026-07-07.

Conditions:
Hereditary cancer-predisposing syndrome. Also called: Hereditary Cancer Syndrome; Hereditary neoplastic syndrome; Neoplastic Syndromes, Hereditary; Tumor predisposition. Identifiers: Orphanet 140162, MedGen C0027672, MeSH D009386, MONDO:0015356.
EGFR-related lung cancer (EGFR). Identifiers: MedGen CN130014.

Submissions (2):

Ambry Genetics
Classification: Uncertain significance for Hereditary cancer-predisposing syndrome. Last evaluated: 2026-07-07. Review status: criteria provided, single submitter. Criteria: Ambry Variant Classification Scheme 2023. Collection method: clinical testing. Allele origin: germline.
Comment: The p.T1141I variant (also known as c.3422C>T), located in coding exon 28 of the EGFR gene, results from a C to T substitution at nucleotide position 3422. The threonine at codon 1141 is replaced by isoleucine, an amino acid with similar properties. This amino acid position is conserved. In addition, this alteration is predicted to be tolerated by in silico analysis. Based on the available evidence, the clinical significance of this variant remains unclear.

Labcorp Genetics (formerly Invitae), Labcorp
Classification: Uncertain significance for EGFR-related lung cancer. Last evaluated: 2022-12-15. Review status: criteria provided, single submitter. Criteria: Invitae Variant Classification Sherloc (09022015). Collection method: clinical testing. Allele origin: germline.
Comment: In summary, the available evidence is currently insufficient to determine the role of this variant in disease. Therefore, it has been classified as a Variant of Uncertain Significance. Algorithms developed to predict the effect of missense changes on protein structure and function are either unavailable or do not agree on the potential impact of this missense change (SIFT: "Tolerated"; PolyPhen-2: "Possibly Damaging"; Align-GVGD: "Class C0"). This variant has not been reported in the literature in individuals affected with EGFR-related conditions. This variant is not present in population databases (gnomAD no frequency). This sequence change replaces threonine, which is neutral and polar, with isoleucine, which is neutral and non-polar, at codon 1141 of the EGFR protein (p.Thr1141Ile).

NM_005228.5(EGFR):c.3422C>T (p.Thr1141Ile)

Gene: EGFR (epidermal growth factor receptor; plus strand). Cytogenetic location: 7p11.2.
Variant type: single nucleotide variant.
Coding change: c.3422C>T on transcript NM_005228.5 (MANE Select); coding-DNA position 3422, C replaced by T.
Protein change: p.Thr1141Ile; replaces threonine 1141 with isoleucine.
Molecular consequence: missense variant.
Genome position (GRCh38, 1-based): chr7:55,205,406, C>T. VCF-style: chr7-55205406-C-T. GRCh37 (hg19) VCF-style: chr7-55273099-C-T.
Other names: c.3287C>T, p.Thr1096Ile (NM_001346899.2); c.3263C>T, p.Thr1088Ile (NM_001346900.2); c.2621C>T, p.Thr874Ile (NM_001346941.2); short protein forms T1096I, T1141I, T874I, T1088I.
Identifiers: ClinVar variation 2820923 (VCV002820923.2), dbSNP rs2128975332, ClinGen allele CA367584585.